The following is an entry in ClinVar:

NM_001267550.2(TTN):c.78741_78742delinsAG (p.Phe26247_Lys26248delinsLeuGlu)

Genes: TTN (titin; minus strand), TTN-AS1 (TTN antisense RNA 1; plus strand). Cytogenetic location: 2q31.2.
Variant type: Indel.
Coding change: c.78741_78742delinsAG on transcript NM_001267550.2 (MANE Select); coding-DNA positions 78741 to 78742, CA replaced by AG.
Protein change: p.Phe26247_Lys26248delinsLeuGlu.
Molecular consequence: missense variant.
Genome position (GRCh38, 1-based): chr2:178,567,390-178,567,391, TG replaced by CT on the plus strand (CA replaced by AG on the coding strand, the reverse complement: TTN is on the minus strand). VCF-style: chr2-178567390-TG-CT. GRCh37 (hg19) VCF-style: chr2-179432117-TG-CT.
Other names: c.73818_73819delinsAG, p.Phe24606_Lys24607delinsLeuGlu (NM_001256850.1); c.78741_78742delCAinsAG, p.Phe26247_Lys26248delinsLeuGlu (NM_001267550.1); c.51546_51547delinsAG, p.Phe17182_Lys17183delinsLeuGlu (NM_003319.4); c.71037_71038delinsAG, p.Phe23679_Lys23680delinsLeuGlu (NM_133378.4); c.51921_51922delinsAG, p.Phe17307_Lys17308delinsLeuGlu (NM_133432.3); c.52122_52123delinsAG, p.Phe17374_Lys17375delinsLeuGlu (NM_133437.4).
Identifiers: ClinVar variation 4975233 (VCV004975233.1).

ClinVar aggregate classification (germline): Uncertain significance (1 of 4 stars; one submission).

Submission:

GeneDx
Classification: Uncertain significance. Last evaluated: 2026-01-21. Review status: criteria provided, single submitter. Criteria: GeneDx Variant Classification Process June 2021. Collection method: clinical testing. Allele origin: germline.
Comment: Not observed at significant frequency in large population cohorts (gnomAD); In-frame variant in a gene for which most reported pathogenic variants are truncating/loss of function; Has not been previously published as pathogenic or benign to our knowledge